The following is an entry in ClinVar:

ClinVar aggregate classification (germline): Conflicting classifications of pathogenicity. Review status: criteria provided, conflicting classifications (1 of 4 stars). 6 submissions from 6 submitters: Likely pathogenic (1); Uncertain significance (4). 1 of the submissions does not count toward it. Last evaluated 2025-11-13.

Conditions:
Inborn genetic diseases. Identifiers: MedGen C0950123, MeSH D030342.
Dihydropyrimidine dehydrogenase deficiency (DPYDD). Also called: DPD DEFICIENCY; DPYD DEFICIENCY; Hereditary Thymine-Uraciluria. Identifiers: Orphanet 1675, MedGen C1959620, MONDO:0010130, OMIM 274270.

Allele frequency attached by ClinVar (database versions not stated): gnomAD exomes below 0.00001; ExAC 0.00001; gnomAD 0.00001; TOPMed 0.00001.
gnomAD v4.1: 8 of 1,613,538 alleles (0.0005%); highest among the groups gnomAD compares: African/African-American, 0.0013%; no homozygotes.

Submissions (6):

Myriad Genetics, Inc.
Classification: Uncertain significance for Dihydropyrimidine dehydrogenase deficiency. Last evaluated: 2025-11-13. Review status: criteria provided, single submitter. Criteria: Myriad Autosomal Dominant, Autosomal Recessive and X-Linked Classification Criteria (2023). Collection method: clinical testing. Allele origin: unknown.
Comment: NM_000110.3(DPYD):c.632A>G(Y211C) is a missense variant classified as a variant of uncertain significance in the context of dihydropyrimidine dehydrogenase deficiency. Y211C has been observed in cases with relevant disease (PMID: 11988088, 24923815, 36430399). Relevant functional assessments of this variant are available in the literature (PMID: 24648345). Y211C has been observed in referenced population frequency databases. In summary, there is insufficient evidence to classify NM_000110.3(DPYD):c.632A>G(Y211C) as pathogenic or benign. Please note: this variant was assessed in the context of healthy population screening.

Baylor Genetics
Classification: Likely pathogenic for Dihydropyrimidine dehydrogenase deficiency. Last evaluated: 2023-11-28. Review status: criteria provided, single submitter. Criteria: ACMG Guidelines, 2015. Collection method: clinical testing. Allele origin: unknown.

Women's Health and Genetics/Laboratory Corporation of America, LabCorp
Classification: Uncertain significance. Last evaluated: 2023-08-10. Review status: criteria provided, single submitter. Criteria: LabCorp Variant Classification Summary - May 2015. Collection method: clinical testing. Allele origin: germline.
Comment: Variant summary: DPYD c.632A>G (p.Tyr211Cys) results in a non-conservative amino acid change located in the FAD/NAD(P)-binding domain (IPR023753) of the encoded protein sequence. Five of five in-silico tools predict a damaging effect of the variant on protein function. The variant allele was found at a frequency of 4e-06 in 251200 control chromosomes (gnomAD). The variant, c.632A>G, has been reported in the literature in a homozygous individual affected with milder form of childhood onset Dihydropyrimidine Dehydrogenase Deficiency (van Kuilenburg 2002), this individual had very low (almost undetectable) enzyme activity measured from fibroblasts; however, the sequencing technology utilized in this study didn't exclude the presence of co-occurring (e.g. deep intronic) variants. In addition, the variant was reported in a heterozygous individual affected with severe 5-fluorouracil toxicity following chemotherapy, but was also reported in an individual with low/no toxicity (Froehlich_2015). Finally, a recent report found the variant in a heterozygous individual with low enzyme activity, who underwent DPYD phenotyping by a biochemical assay (namely the 5-FU degradation rate (5-FUDR)) (De Luca_2022). In vitro experimental evidence evaluating an impact on protein function demonstrated that the variant resulted in a decreased enzyme activity, corresponding to about 14% residual activity (Offer_2014). The following publications have been ascertained in the context of this evaluation (PMID: 11988088, 2464834, 24923815, 29152729, 36430399, 35306539 ). Two submitters have cited clinical-significance assessments for this variant to ClinVar after 2014. All submitters classified the variant as uncertain significance. Based on the evidence outlined above, the variant was classified as VUS-possibly pathogenic.

Genome-Nilou Lab
Classification: Uncertain significance for Dihydropyrimidine dehydrogenase deficiency. Last evaluated: 2023-04-11. Review status: criteria provided, single submitter. Criteria: ACMG Guidelines, 2015. Collection method: clinical testing. Allele origin: germline. Affected: no.

Ambry Genetics
Classification: Uncertain significance for Inborn genetic diseases. Last evaluated: 2022-06-08. Review status: criteria provided, single submitter. Criteria: Ambry Variant Classification Scheme 2023. Collection method: clinical testing. Allele origin: germline.

Counsyl
Classification: Uncertain significance for Dihydropyrimidine dehydrogenase deficiency. Last evaluated: 2017-10-25. Review status: no assertion criteria provided. Collection method: clinical testing. Allele origin: unknown. Not counted in ClinVar's aggregate classification.

Literature cited by the submitters: PubMed 11988088 (cited by 4 submitters); PubMed 24648345 (cited by Myriad Genetics, Inc. and Counsyl); PubMed 24923815 (cited by 3 submitters); PubMed 36430399 (cited by Myriad Genetics, Inc. and Women's Health and Genetics/Laboratory Corporation of America, LabCorp); PubMed 29152729 (cited by Women's Health and Genetics/Laboratory Corporation of America, LabCorp); PubMed 35306539 (cited by Women's Health and Genetics/Laboratory Corporation of America, LabCorp); PubMed 2464834 (cited by Women's Health and Genetics/Laboratory Corporation of America, LabCorp).

NM_000110.4(DPYD):c.632A>G (p.Tyr211Cys)

Gene: DPYD (dihydropyrimidine dehydrogenase; minus strand). Cytogenetic location: 1p21.3.
Variant type: single nucleotide variant.
Coding change: c.632A>G on transcript NM_000110.4 (MANE Select); coding-DNA position 632, A replaced by G.
Protein change: p.Tyr211Cys; replaces tyrosine 211 with cysteine.
Molecular consequence: missense variant.
Genome position (GRCh38, 1-based): chr1:97,699,399, T>C on the plus strand (A>G on the coding strand, the complement: DPYD is on the minus strand). VCF-style: chr1-97699399-T-C. GRCh37 (hg19) VCF-style: chr1-98164955-T-C.
Other names: short protein forms Y211C.
Identifiers: ClinVar variation 554571 (VCV000554571.9), dbSNP rs72549307, ClinGen allele CA963604.